The following is an entry in ClinVar:

ClinVar aggregate classification (germline): Pathogenic/Likely pathogenic. Review status: criteria provided, multiple submitters, no conflicts (2 of 4 stars). 2 submissions from 2 submitters: Pathogenic (1); Likely pathogenic (1). Last evaluated 2021-10-10.

Conditions:
Duchenne muscular dystrophy (DMD). Also called: Duchenne Muscular Dystrophy (DMD); MUSCULAR DYSTROPHY, PSEUDOHYPERTROPHIC PROGRESSIVE, DUCHENNE TYPE. Identifiers: Orphanet 98896, MedGen C0013264, MONDO:0010679, OMIM 310200.
Neuromuscular disease caused by qualitative or quantitative defects of dystrophin. Also called: Qualitative or quantitative defects of dystrophin. Identifiers: Orphanet 207085, MedGen C5679787, MONDO:0016147.

Submissions (2):

Women's Health and Genetics/Laboratory Corporation of America, LabCorp
Classification: Likely pathogenic for Neuromuscular disease caused by qualitative or quantitative defects of dystrophin. Last evaluated: 2021-10-10. Review status: criteria provided, single submitter. Criteria: LabCorp Variant Classification Summary - May 2015. Collection method: clinical testing. Allele origin: germline.
Comment: Variant summary: DMD c.6474delT (p.Val2159SerfsX4) results in a premature termination codon, predicted to cause a truncation of the encoded protein or absence of the protein due to nonsense mediated decay, which are commonly known mechanisms for disease. Truncations downstream of this position have been classified as pathogenic by our laboratory. The variant was absent in 182400 control chromosomes. To our knowledge, no occurrence of c.6474delT in individuals affected with Dystrophinopathies and no experimental evidence demonstrating its impact on protein function have been reported. However, the variant has been reported as pathogenic in settings of physician-directed genetic screening to evaluate personal risk for medically actionable disorders (example, Haverfield_2021). This clinical diagnostic laboratory has submitted clinical-significance assessments for this variant to ClinVar and classified the variant as pathogenic. Based on the evidence outlined above, the variant was classified as likely pathogenic.

Labcorp Genetics (formerly Invitae), Labcorp
Classification: Pathogenic for Duchenne muscular dystrophy. Last evaluated: 2021-08-26. Review status: criteria provided, single submitter. Criteria: Invitae Variant Classification Sherloc (09022015). Collection method: clinical testing. Allele origin: germline.
Comment: For these reasons, this variant has been classified as Pathogenic. This variant has not been reported in the literature in individuals affected with DMD-related conditions. This variant is not present in population databases (ExAC no frequency). This sequence change creates a premature translational stop signal (p.Val2159Serfs*4) in the DMD gene. It is expected to result in an absent or disrupted protein product. Loss-of-function variants in DMD are known to be pathogenic (PMID: 16770791, 25007885).

Literature cited by the submitters: PubMed 34404389 (cited by Women's Health and Genetics/Laboratory Corporation of America, LabCorp); PubMed 16770791 (cited by Labcorp Genetics (formerly Invitae), Labcorp); PubMed 25007885 (cited by Labcorp Genetics (formerly Invitae), Labcorp).

NM_004006.3(DMD):c.6474del (p.Val2159fs)

Gene: DMD (dystrophin; minus strand). Cytogenetic location: Xp21.1.
Variant type: Deletion.
Coding change: c.6474del on transcript NM_004006.3 (MANE Select); coding-DNA position 6474, one base deleted (T; older notation c.6474delT).
Protein change: p.Val2159fs; shifts the reading frame from valine 2159.
Molecular consequence: frameshift variant. On other transcripts: 5 prime UTR variant (5).
Genome position (GRCh38, 1-based): chrX:31,968,479, A deleted on the plus strand (T on the coding strand, the reverse complement: DMD is on the minus strand); the first of 2 consecutive A bases (chrX:31,968,479-31,968,480); deleting either gives the same sequence. VCF-style (leftmost placement, unchanged base first): chrX-31968478-CA-C. GRCh37 (hg19) VCF-style: chrX-31986595-CA-C.
Other names: c.6450del, p.Val2151fs (NM_000109.4); c.6462del, p.Val2155fs (NM_004009.3); c.6105del, p.Val2036fs (NM_004010.3); c.2451del, p.Val818fs (NM_004011.4); c.2442del, p.Val815fs (NM_004012.4); c.-907del (NM_004013.3, NM_004020.4, NM_004021.3 and 2 more transcripts); c.6474delT (NM_004006.2); short protein forms V2151fs, V2159fs, V815fs, V2036fs, V2155fs, V818fs.
Identifiers: ClinVar variation 851668 (VCV000851668.11), dbSNP rs2095370524, ClinGen allele CA916081256.